The following is an entry in ClinVar:

ClinVar aggregate classification (germline): Uncertain significance. Review status: criteria provided, multiple submitters, no conflicts (2 of 4 stars). 2 submissions from 2 submitters: Uncertain significance (2). Last evaluated 2025-01-10.

Conditions:
Inborn genetic diseases. Identifiers: MedGen C0950123, MeSH D030342.

Allele frequency attached by ClinVar (database versions not stated): ExAC 0.00002; TOPMed 0.00003; gnomAD 0.00005 and 0.00006; ESP Exome Variant Server 0.00008.
gnomAD v4.1: 97 of 1,611,666 alleles (0.006%); highest among the groups gnomAD compares: Non-Finnish European, 0.0081%; no homozygotes.

Submissions (2):

Ambry Genetics
Classification: Uncertain significance for Inborn genetic diseases. Last evaluated: 2025-01-10. Review status: criteria provided, single submitter. Criteria: Ambry Variant Classification Scheme 2023. Collection method: clinical testing. Allele origin: germline.

Labcorp Genetics (formerly Invitae), Labcorp
Classification: Uncertain significance. Last evaluated: 2022-10-07. Review status: criteria provided, single submitter. Criteria: Invitae Variant Classification Sherloc (09022015). Collection method: clinical testing. Allele origin: germline.
Comment: In summary, the available evidence is currently insufficient to determine the role of this variant in disease. Therefore, it has been classified as a Variant of Uncertain Significance. Advanced modeling of protein sequence and biophysical properties (such as structural, functional, and spatial information, amino acid conservation, physicochemical variation, residue mobility, and thermodynamic stability) performed at Invitae indicates that this missense variant is expected to disrupt RTTN protein function. ClinVar contains an entry for this variant (Variation ID: 1362630). This variant has not been reported in the literature in individuals affected with RTTN-related conditions. This variant is present in population databases (rs370508173, gnomAD 0.004%). This sequence change replaces proline, which is neutral and non-polar, with threonine, which is neutral and polar, at codon 898 of the RTTN protein (p.Pro898Thr).

NM_173630.4(RTTN):c.2692C>A (p.Pro898Thr)

Gene: RTTN (rotatin; minus strand). Cytogenetic location: 18q22.2.
Variant type: single nucleotide variant.
Coding change: c.2692C>A on transcript NM_173630.4 (MANE Select); coding-DNA position 2692, C replaced by A.
Protein change: p.Pro898Thr; replaces proline 898 with threonine.
Molecular consequence: missense variant. On other transcripts: 5 prime UTR variant (1).
Genome position (GRCh38, 1-based): chr18:70,139,695, G>T on the plus strand (C>A on the coding strand, the complement: RTTN is on the minus strand). VCF-style: chr18-70139695-G-T. GRCh37 (hg19) VCF-style: chr18-67806931-G-T.
Other names: c.-45C>A (NM_001318520.2); c.2692C>A (NM_173630.3); short protein forms P898T.
Identifiers: ClinVar variation 1362630 (VCV001362630.8), dbSNP rs370508173, ClinGen allele CA8995792.